The following is an entry in ClinVar:

NM_000268.4(NF2):c.783C>T (p.Ile261=)

Gene: NF2 (NF2, moesin-ezrin-radixin like (MERLIN) tumor suppressor; plus strand). Cytogenetic location: 22q12.2.
Variant type: single nucleotide variant.
Coding change: c.783C>T on transcript NM_000268.4 (MANE Select); coding-DNA position 783, C replaced by T.
Protein change: p.Ile261=; no amino-acid change (isoleucine 261 retained).
Molecular consequence: synonymous variant. On other transcripts: non-coding transcript variant (1), intron variant (1).
Genome position (GRCh38, 1-based): chr22:29,661,312, C>T. VCF-style: chr22-29661312-C-T. GRCh37 (hg19) VCF-style: chr22-30057301-C-T.
Other names: c.783C>T, p.Ile261= (NM_016418.5, NM_181825.3, NM_181832.3); c.657C>T, p.Ile219= (NM_181828.3); c.660C>T, p.Ile220= (NM_181829.3); c.534C>T, p.Ile178= (NM_181830.3, NM_181831.3); c.447+19027C>T (NM_181833.3); c.783C>T (NM_181832.2).
Identifiers: ClinVar variation 417147 (VCV000417147.53), dbSNP rs765223726, ClinGen allele CA035119.
Genomic context (GRCh38, chr22:29,661,312, plus strand): 5'-TCACATTTATGACCCTGAGAACAGACTGACCCCCAAGATCTCCTTCCCGTGGAATGAAAT[C>T]CGAAACATCTCGTACAGTGACAAGGAGGTAGGACATGTGTGTACTGCAGATGGGTCCAGC-3'
Protein context (NP_000259.1, residues 251-271): TPKISFPWNE[Ile261=]RNISYSDKEF

ClinVar aggregate classification (germline): Likely benign. Review status: criteria provided, multiple submitters, no conflicts (2 of 4 stars). 7 submissions from 7 submitters: Likely benign (6). 1 of the submissions does not count toward it. Last evaluated 2026-01-13.

Conditions:
NF2-related disorder. Also called: NF2-related condition.
Hereditary cancer-predisposing syndrome. Also called: Tumor predisposition; Hereditary neoplastic syndrome; Hereditary Cancer Syndrome; Neoplastic Syndromes, Hereditary. Identifiers: Orphanet 140162, MedGen C0027672, MeSH D009386, MONDO:0015356.
Neurofibromatosis, type 2 (SWNV). Also called: BILATERAL ACOUSTIC NEUROFIBROMATOSIS; NF2-Related Schwannomatosis; SCHWANNOMATOSIS, VESTIBULAR. Identifiers: Orphanet 637, MedGen C0027832, MONDO:0007039, OMIM 101000. Disease mechanism: loss of function.

Allele frequency attached by ClinVar (database versions not stated): gnomAD 0.00003; gnomAD exomes 0.00006; TOPMed 0.00006; ExAC 0.00007.
gnomAD v4.1: 88 of 1,614,056 alleles (0.0055%); highest among the groups gnomAD compares: Admixed American, 0.013%; no homozygotes.

Submissions (7):

Labcorp Genetics (formerly Invitae), Labcorp
Classification: Likely benign for Neurofibromatosis, type 2. Last evaluated: 2026-01-13. Review status: criteria provided, single submitter. Criteria: Invitae Variant Classification Sherloc (09022015). Collection method: clinical testing. Allele origin: germline.

All of Us Research Program, National Institutes of Health
Classification: Likely benign for Neurofibromatosis, type 2. Last evaluated: 2024-01-11. Review status: criteria provided, single submitter. Criteria: ACMG Guidelines, 2015. Collection method: clinical testing. Allele origin: germline. Inheritance: Autosomal dominant inheritance. Observed: 12 variant alleles, 12 heterozygotes.
Comment: This study involves interpretation of variants in research participants for the purpose of population health screening. Participant phenotype was not available at the time of variant classification. Additional details can be found in publication PMID: 35346344, PMCID: PMC8962531

GeneDx
Classification: Likely benign. Last evaluated: 2023-05-17. Review status: criteria provided, single submitter. Criteria: GeneDx Variant Classification Process June 2021. Collection method: clinical testing. Allele origin: germline. Affected: yes.
Comment: In silico analysis supports that this variant does not alter splicing; Has not been previously published as pathogenic or benign to our knowledge

Color Diagnostics, LLC DBA Color Health
Classification: Likely benign for Neurofibromatosis, type 2. Last evaluated: 2022-11-06. Review status: criteria provided, single submitter. Criteria: ACMG Guidelines, 2015. Collection method: clinical testing. Allele origin: germline.

CeGaT Center for Human Genetics Tuebingen
Classification: Likely benign. Last evaluated: 2021-03-01. Review status: criteria provided, single submitter. Criteria: CeGaT Center For Human Genetics Tuebingen Variant Classification Criteria Version 2. Collection method: clinical testing. Allele origin: germline. Affected: yes. Observed: 1 variant allele.

Ambry Genetics
Classification: Likely benign for Hereditary cancer-predisposing syndrome. Last evaluated: 2016-12-08. Review status: criteria provided, single submitter. Criteria: Ambry Variant Classification Scheme 2023. Collection method: clinical testing. Allele origin: germline.

PreventionGenetics, part of Exact Sciences
Classification: Likely benign for NF2-related condition. Last evaluated: 2022-02-23. Review status: no assertion criteria provided. Collection method: clinical testing. Allele origin: germline. Not counted in ClinVar's aggregate classification.
Comment: This variant is classified as likely benign based on ACMG/AMP sequence variant interpretation guidelines (Richards et al. 2015 PMID: 25741868, with internal and published modifications).